The following is an entry in ClinVar:

NM_033163.5(FGF8):c.697C>T (p.Arg233Cys)

Gene: FGF8 (fibroblast growth factor 8; minus strand). Cytogenetic location: 10q24.32.
Variant type: single nucleotide variant.
Coding change: c.697C>T on transcript NM_033163.5 (MANE Select); coding-DNA position 697, C replaced by T.
Protein change: p.Arg233Cys; replaces arginine 233 with cysteine.
Molecular consequence: missense variant.
Genome position (GRCh38, 1-based): chr10:101,770,367, G>A on the plus strand (C>T on the coding strand, the complement: FGF8 is on the minus strand). VCF-style: chr10-101770367-G-A. GRCh37 (hg19) VCF-style: chr10-103530124-G-A.
Other names: c.385C>T, p.Arg129Cys (NM_001206389.2); c.610C>T, p.Arg204Cys (NM_006119.6); c.664C>T, p.Arg222Cys (NM_033164.4); c.577C>T, p.Arg193Cys (NM_033165.5); short protein forms R129C, R222C, R204C, R233C, R193C.
Identifiers: ClinVar variation 2282623 (VCV002282623.5), dbSNP rs780335350, ClinGen allele CA5657528.

ClinVar aggregate classification (germline): Uncertain significance. Review status: criteria provided, multiple submitters, no conflicts (2 of 4 stars). 2 submissions from 2 submitters: Uncertain significance (2). Last evaluated 2023-12-15.

Conditions:
Inborn genetic diseases. Identifiers: MedGen C0950123, MeSH D030342.

Allele frequency attached by ClinVar (database versions not stated): gnomAD 0.00002; gnomAD exomes 0.00004; ExAC 0.00017.
gnomAD v4.1: 56 of 1,600,194 alleles (0.0035%); highest among the groups gnomAD compares: South Asian, 0.018%; no homozygotes.

Submissions (2):

Labcorp Genetics (formerly Invitae), Labcorp
Classification: Uncertain significance. Last evaluated: 2023-12-15. Review status: criteria provided, single submitter. Criteria: Invitae Variant Classification Sherloc (09022015). Collection method: clinical testing. Allele origin: germline.
Comment: This sequence change replaces arginine, which is basic and polar, with cysteine, which is neutral and slightly polar, at codon 233 of the FGF8 protein (p.Arg233Cys). The frequency data for this variant in the population databases is considered unreliable, as metrics indicate poor data quality at this position in the gnomAD database. This variant has not been reported in the literature in individuals affected with FGF8-related conditions. ClinVar contains an entry for this variant (Variation ID: 2282623). An algorithm developed to predict the effect of missense changes on protein structure and function (PolyPhen-2) suggests that this variant is likely to be disruptive. In summary, the available evidence is currently insufficient to determine the role of this variant in disease. Therefore, it has been classified as a Variant of Uncertain Significance.

Ambry Genetics
Classification: Uncertain significance for Inborn genetic diseases. Last evaluated: 2022-04-08. Review status: criteria provided, single submitter. Criteria: Ambry Variant Classification Scheme 2023. Collection method: clinical testing. Allele origin: germline.